The following is an entry in ClinVar:

ClinVar aggregate classification (germline): Uncertain significance (1 of 4 stars; one submission).

Submission:

GeneDx
Classification: Uncertain significance. Last evaluated: 2025-06-26. Review status: criteria provided, single submitter. Criteria: GeneDx Variant Classification Process June 2021. Collection method: clinical testing. Allele origin: germline. Affected: yes.
Comment: Not observed at significant frequency in large population cohorts (gnomAD); In silico analysis supports that this missense variant has a deleterious effect on protein structure/function; Has not been previously published as pathogenic or benign to our knowledge

NM_002637.4(PHKA1):c.2933C>T (p.Ser978Leu)

Gene: PHKA1 (phosphorylase kinase regulatory subunit alpha 1; minus strand). Cytogenetic location: Xq13.1.
Variant type: single nucleotide variant.
Coding change: c.2933C>T on transcript NM_002637.4 (MANE Select); coding-DNA position 2933, C replaced by T.
Protein change: p.Ser978Leu; replaces serine 978 with leucine.
Molecular consequence: missense variant.
Genome position (GRCh38, 1-based): chrX:72,602,258, G>A on the plus strand (C>T on the coding strand, the complement: PHKA1 is on the minus strand). VCF-style: chrX-72602258-G-A. GRCh37 (hg19) VCF-style: chrX-71822108-G-A.
Other names: c.2933C>T, p.Ser978Leu (NM_001122670.2, NM_001431068.1, NM_001440787.1); c.2756C>T, p.Ser919Leu (NM_001172436.2, NM_001440788.1); short protein forms S919L, S978L.
Identifiers: ClinVar variation 4540170 (VCV004540170.1).